The following is an entry in ClinVar:

ClinVar aggregate classification (germline): Benign/Likely benign. Review status: criteria provided, multiple submitters, no conflicts (2 of 4 stars). 6 submissions from 6 submitters: Benign (2); Likely benign (3). 1 of the submissions does not count toward it. Last evaluated 2026-01-01.

Conditions:
GRIN2A-related complex neurodevelopmental disorder. Also called: GRIN2A-related disorder; GRIN2A-related condition. Identifiers: MedGen CN379781, MONDO:1060139.
Landau-Kleffner syndrome (FESD). Also called: EPILEPSY, FOCAL, WITH SPEECH DISORDER AND WITH OR WITHOUT MENTAL RETARDATION; APHASIA, ACQUIRED, WITH EPILEPSY. Identifiers: Orphanet 1945, Orphanet 725, Orphanet 98818, MedGen C0282512, MONDO:0009509, OMIM 245570.
Inborn genetic diseases. Identifiers: MedGen C0950123, MeSH D030342.

Allele frequency attached by ClinVar (database versions not stated): gnomAD exomes 0.00015 and 0.00005; 1000 Genomes Project 30x 0.00062; ExAC 0.00020; ESP Exome Variant Server 0.00062; gnomAD 0.00076 and 0.00072; TOPMed 0.00084; 1000 Genomes Project 0.00060.
gnomAD v4.1: 182 of 1,613,246 alleles (0.011%); highest among the groups gnomAD compares: African/African-American, 0.21%; 2 homozygotes.

Submissions (6):

Labcorp Genetics (formerly Invitae), Labcorp
Classification: Benign for Landau-Kleffner syndrome. Last evaluated: 2026-01-01. Review status: criteria provided, single submitter. Criteria: Invitae Variant Classification Sherloc (09022015). Collection method: clinical testing. Allele origin: germline.

CeGaT Center for Human Genetics Tuebingen
Classification: Likely benign. Last evaluated: 2024-11-01. Review status: criteria provided, single submitter. Criteria: CeGaT Center For Human Genetics Tuebingen Variant Classification Criteria Version 2. Collection method: clinical testing. Allele origin: germline. Affected: yes. Observed: 1 variant allele.
Comment: GRIN2A: BP4, BP7

Blueprint Genetics
Classification: Likely benign. Last evaluated: 2024-02-01. Review status: criteria provided, single submitter. Criteria: ACMG Guidelines, 2015. Collection method: clinical testing. Allele origin: germline.

Ambry Genetics
Classification: Likely benign for Inborn genetic diseases. Last evaluated: 2017-05-04. Review status: criteria provided, single submitter. Criteria: Ambry Variant Classification Scheme 2023. Collection method: clinical testing. Allele origin: germline.

GeneDx
Classification: Benign. Last evaluated: 2015-09-25. Review status: criteria provided, single submitter. Criteria: GeneDx Variant Classification (06012015). Collection method: clinical testing. Allele origin: germline. Affected: yes.
Comment: This variant is considered likely benign or benign based on one or more of the following criteria: it is a conservative change, it occurs at a poorly conserved position in the protein, it is predicted to be benign by multiple in silico algorithms, and/or has population frequency not consistent with disease.

PreventionGenetics, part of Exact Sciences
Classification: Likely benign for GRIN2A-related condition. Last evaluated: 2019-08-27. Review status: no assertion criteria provided. Collection method: clinical testing. Allele origin: germline. Not counted in ClinVar's aggregate classification.
Comment: This variant is classified as likely benign based on ACMG/AMP sequence variant interpretation guidelines (Richards et al. 2015 PMID: 25741868, with internal and published modifications).

NM_001134407.3(GRIN2A):c.669C>T (p.His223=)

Gene: GRIN2A (glutamate ionotropic receptor NMDA type subunit 2A; minus strand). Cytogenetic location: 16p13.2.
Variant type: single nucleotide variant.
Coding change: c.669C>T on transcript NM_001134407.3 (MANE Select); coding-DNA position 669, C replaced by T.
Protein change: p.His223=; no amino-acid change (histidine 223 retained).
Molecular consequence: synonymous variant.
Genome position (GRCh38, 1-based): chr16:9,938,297, G>A on the plus strand (C>T on the coding strand, the complement: GRIN2A is on the minus strand). VCF-style: chr16-9938297-G-A. GRCh37 (hg19) VCF-style: chr16-10032154-G-A.
Other names: c.669C>T, p.His223= (NM_000833.5, NM_001134408.2).
Identifiers: ClinVar variation 379585 (VCV000379585.33), dbSNP rs138117658, ClinGen allele CA7896918.
Genomic context (GRCh38, chr16:9,938,297, plus strand): 5'-GGCCTCACTCAGAATGAGAACAGCCTCGTCTTTGGAACAGTAGAGCAAGATGACAGAAGA[G>A]TGGATCTTCTTCAGCTGGACTTGTGTCTTTGCATCCTCAAAGGAAGTGTCCAGTGTGATC-3'
Protein context (NP_001127879.1, residues 213-233): AKTQVQLKKI[His223=]SSVILLYCSK